The following is an entry in ClinVar:

NM_004369.4(COL6A3):c.8097G>A (p.Val2699=)

Gene: COL6A3 (collagen type VI alpha 3 chain; minus strand). Cytogenetic location: 2q37.3.
Variant type: single nucleotide variant.
Coding change: c.8097G>A on transcript NM_004369.4 (MANE Select); coding-DNA position 8097, G replaced by A.
Protein change: p.Val2699=; no amino-acid change (valine 2699 retained).
Molecular consequence: synonymous variant.
Genome position (GRCh38, 1-based): chr2:237,340,819, C>T on the plus strand (G>A on the coding strand, the complement: COL6A3 is on the minus strand). VCF-style: chr2-237340819-C-T. GRCh37 (hg19) VCF-style: chr2-238249462-C-T.
Other names: c.6276G>A, p.Val2092= (NM_057166.5); c.7479G>A, p.Val2493= (NM_057167.4).
Identifiers: ClinVar variation 335102 (VCV000335102.24), dbSNP rs115757876, ClinGen allele CA2187630.

ClinVar aggregate classification (germline): Conflicting classifications of pathogenicity. Review status: criteria provided, conflicting classifications (1 of 4 stars). 8 submissions from 8 submitters: Uncertain significance (1); Benign (2); Likely benign (5). Last evaluated 2025-12-08.

Conditions:
Collagen 6-related myopathy. Identifiers: MedGen CN117976, MONDO:0100225.
Bethlem myopathy 1A. Also called: MYOPATHY, BENIGN CONGENITAL, WITH CONTRACTURES; Bethlem myopathy 1; Bethlem Muscular Dystrophy. Identifiers: Orphanet 610, MedGen CN029274, MONDO:0024530, OMIM 158810.
Inborn genetic diseases. Identifiers: MedGen C0950123, MeSH D030342.
Dystonia 27 (DYT27). Identifiers: Orphanet 464440, MedGen C4225336, MONDO:0014627, OMIM 616411.
COL6A3-related disorder. Also called: COL6A3-related disorders; COL6A3-related condition.

Allele frequency attached by ClinVar (database versions not stated): gnomAD 0.00017 and 0.00023; TOPMed 0.00020; 1000 Genomes Project 30x 0.00125; 1000 Genomes Project 0.00140.
gnomAD v4.1: 197 of 1,614,200 alleles (0.012%); highest among the groups gnomAD compares: East Asian, 0.41%; 1 homozygote.

Submissions (8):

PreventionGenetics, part of Exact Sciences
Classification: Likely benign for COL6A3-related condition. Last evaluated: 2025-12-08. Review status: criteria provided, single submitter. Criteria: ACMG Guidelines, 2015. Collection method: clinical testing. Allele origin: germline.
Comment: This variant is classified as likely benign based on ACMG/AMP sequence variant interpretation guidelines (Richards et al. 2015 PMID: 25741868, with internal and published modifications).

Labcorp Genetics (formerly Invitae), Labcorp
Classification: Benign for Bethlem myopathy 1A. Last evaluated: 2025-12-06. Review status: criteria provided, single submitter. Criteria: Invitae Variant Classification Sherloc (09022015). Collection method: clinical testing. Allele origin: germline.

Ambry Genetics
Classification: Likely benign for Inborn genetic diseases. Last evaluated: 2024-02-27. Review status: criteria provided, single submitter. Criteria: Ambry Variant Classification Scheme 2023. Collection method: clinical testing. Allele origin: germline.

Department of Neurology, Xijing Hospital, Fourth Military Medical University
Classification: Uncertain significance for Dystonia 27. Last evaluated: 2022-10-22. Review status: criteria provided, single submitter. Criteria: ACMG Guidelines, 2015. Collection method: clinical testing. Allele origin: germline.

Illumina Laboratory Services, Illumina
Classification: Benign for Collagen VI-related myopathy. Last evaluated: 2018-01-12. Review status: criteria provided, single submitter. Criteria: ICSL Variant Classification Criteria 13 December 2019. Collection method: clinical testing. Allele origin: germline.
Comment: This variant was observed in the ICSL laboratory as part of a predisposition screen in an ostensibly healthy population. It had not been previously curated by ICSL or reported in the Human Gene Mutation Database (HGMD: prior to June 1st, 2018), and was therefore a candidate for classification through an automated scoring system. Utilizing variant allele frequency, disease prevalence and penetrance estimates, and inheritance mode, an automated score was calculated to assess if this variant is too frequent to cause the disease. Based on the score and internal cut-off values, a variant classified as benign is not then subjected to further curation. The score for this variant resulted in a classification of benign for this disease.

Eurofins Ntd Llc (ga)
Classification: Likely benign. Last evaluated: 2017-05-25. Review status: criteria provided, single submitter. Criteria: EGL Classification Definitions 2015. Collection method: clinical testing. Allele origin: germline. Observed: 1 variant allele, 1 heterozygote.

GeneDx
Classification: Likely benign. Last evaluated: 2016-08-17. Review status: criteria provided, single submitter. Criteria: GeneDx Variant Classification (06012015). Collection method: clinical testing. Allele origin: germline. Affected: yes.
Comment: This variant is considered likely benign or benign based on one or more of the following criteria: it is a conservative change, it occurs at a poorly conserved position in the protein, it is predicted to be benign by multiple in silico algorithms, and/or has population frequency not consistent with disease.

Breakthrough Genomics
Classification: Likely benign. Review status: criteria provided, single submitter. Criteria: ACMG Guidelines, 2015. Collection method: not provided. Allele origin: germline. Inheritance: Autosomal recessive inheritance. Affected: yes.